The following is an entry in ClinVar:

ClinVar aggregate classification (germline): Uncertain significance (1 of 4 stars; one submission).

Conditions:
Hereditary cancer-predisposing syndrome. Also called: Neoplastic Syndromes, Hereditary; Tumor predisposition; Hereditary Cancer Syndrome; Hereditary neoplastic syndrome. Identifiers: Orphanet 140162, MedGen C0027672, MeSH D009386, MONDO:0015356.

Submission:

Ambry Genetics
Classification: Uncertain significance for Hereditary cancer-predisposing syndrome. Last evaluated: 2024-10-17. Review status: criteria provided, single submitter. Criteria: Ambry Variant Classification Scheme 2023. Collection method: clinical testing. Allele origin: germline.
Comment: The p.F1109L variant (also known as c.3327T>A), located in coding exon 27 of the POLE gene, results from a T to A substitution at nucleotide position 3327. The phenylalanine at codon 1109 is replaced by leucine, an amino acid with highly similar properties. This amino acid position is conserved. In addition, this alteration is predicted to be tolerated by in silico analysis. Based on the available evidence, the clinical significance of this variant remains unclear.

NM_006231.4(POLE):c.3327T>A (p.Phe1109Leu)

Gene: POLE (DNA polymerase epsilon, catalytic subunit; minus strand). Cytogenetic location: 12q24.33.
Variant type: single nucleotide variant.
Coding change: c.3327T>A on transcript NM_006231.4 (MANE Select); coding-DNA position 3327, T replaced by A.
Protein change: p.Phe1109Leu; replaces phenylalanine 1109 with leucine.
Molecular consequence: missense variant.
Genome position (GRCh38, 1-based): chr12:132,657,919, A>T on the plus strand (T>A on the coding strand, the complement: POLE is on the minus strand). VCF-style: chr12-132657919-A-T. GRCh37 (hg19) VCF-style: chr12-133234505-A-T.
Other names: short protein forms F1109L.
Identifiers: ClinVar variation 3422195 (VCV003422195.1).